The following is an entry in ClinVar:

NM_005236.3(ERCC4):c.109C>T (p.Arg37Cys)

Genes: ERCC4 (ERCC excision repair 4, endonuclease catalytic subunit; plus strand), LOC130058543 (ATAC-STARR-seq lymphoblastoid active region 10486; plus strand). Cytogenetic location: 16p13.12.
Variant type: single nucleotide variant.
Coding change: c.109C>T on transcript NM_005236.3 (MANE Select); coding-DNA position 109, C replaced by T.
Protein change: p.Arg37Cys; replaces arginine 37 with cysteine.
Molecular consequence: missense variant.
Genome position (GRCh38, 1-based): chr16:13,920,274, C>T. VCF-style: chr16-13920274-C-T. GRCh37 (hg19) VCF-style: chr16-14014131-C-T.
Other names: short protein forms R37C.
Identifiers: ClinVar variation 860287 (VCV000860287.11), dbSNP rs144602005, ClinGen allele CA7910087.

ClinVar aggregate classification (germline): Uncertain significance. Review status: criteria provided, multiple submitters, no conflicts (2 of 4 stars). 2 submissions from 2 submitters: Uncertain significance (2). Last evaluated 2025-01-29.

Conditions:
Xeroderma pigmentosum, group F (XPF). Also called: XERODERMA PIGMENTOSUM, COMPLEMENTATION GROUP F; XERODERMA PIGMENTOSUM VI; XP, GROUP F; ERCC4-Related Xeroderma Pigmentosum; XERODERMA PIGMENTOSUM, TYPE F; Xeroderma pigmentosum, type 6. Identifiers: MedGen C0268140, MONDO:0010215, OMIM 278760.
Cockayne syndrome. Identifiers: Orphanet 191, MedGen C0009207, MONDO:0016006.
Fanconi anemia complementation group Q. Identifiers: Orphanet 84, MedGen C3808988, MONDO:0014108, OMIM 615272.

Allele frequency attached by ClinVar (database versions not stated): ExAC 0.00003; gnomAD 0.00003; gnomAD exomes 0.00003 and 0.00004; TOPMed 0.00004; ESP Exome Variant Server 0.00008; 1000 Genomes Project 30x 0.00016; 1000 Genomes Project 0.00020.
gnomAD v4.1: 58 of 1,606,388 alleles (0.0036%); highest among the groups gnomAD compares: Non-Finnish European, 0.0047%; no homozygotes.

Submissions (2):

Labcorp Genetics (formerly Invitae), Labcorp
Classification: Uncertain significance for Fanconi anemia complementation group Q; Xeroderma pigmentosum, group F; Cockayne syndrome. Last evaluated: 2025-01-29. Review status: criteria provided, single submitter. Criteria: Invitae Variant Classification Sherloc (09022015). Collection method: clinical testing. Allele origin: germline.
Comment: This sequence change replaces arginine, which is basic and polar, with cysteine, which is neutral and slightly polar, at codon 37 of the ERCC4 protein (p.Arg37Cys). The frequency data for this variant in the population databases is considered unreliable, as metrics indicate poor data quality at this position in the gnomAD database. This missense change has been observed in individual(s) with head and neck squamous cell carcinoma (PMID: 28678401). ClinVar contains an entry for this variant (Variation ID: 860287). Invitae Evidence Modeling of protein sequence and biophysical properties (such as structural, functional, and spatial information, amino acid conservation, physicochemical variation, residue mobility, and thermodynamic stability) indicates that this missense variant is expected to disrupt ERCC4 protein function with a positive predictive value of 80%. In summary, the available evidence is currently insufficient to determine the role of this variant in disease. Therefore, it has been classified as a Variant of Uncertain Significance.

Institute for Clinical Genetics, University Hospital TU Dresden, University Hospital TU Dresden
Classification: Uncertain significance. Last evaluated: 2021-11-03. Review status: criteria provided, single submitter. Criteria: ACMG Guidelines, 2015. Collection method: clinical testing. Allele origin: germline.

Literature cited by the submitters: PubMed 28678401 (cited by Labcorp Genetics (formerly Invitae), Labcorp).